The following is an entry in ClinVar:

ClinVar aggregate classification (germline): Uncertain significance (1 of 4 stars; one submission).

Submission:

Labcorp Genetics (formerly Invitae), Labcorp
Classification: Uncertain significance. Last evaluated: 2019-09-28. Review status: criteria provided, single submitter. Criteria: Invitae Variant Classification Sherloc (09022015). Collection method: clinical testing. Allele origin: germline.
Comment: This sequence change replaces arginine with glycine at codon 371 of the DNAAF4 protein (p.Arg371Gly). The arginine residue is highly conserved and there is a moderate physicochemical difference between arginine and glycine. This variant is not present in population databases (ExAC no frequency). This variant has not been reported in the literature in individuals with DNAAF4-related conditions. Algorithms developed to predict the effect of missense changes on protein structure and function (SIFT, PolyPhen-2, Align-GVGD) all suggest that this variant is likely to be disruptive, but these predictions have not been confirmed by published functional studies and their clinical significance is uncertain. In summary, the available evidence is currently insufficient to determine the role of this variant in disease. Therefore, it has been classified as a Variant of Uncertain Significance.

NM_130810.4(DNAAF4):c.1111C>G (p.Arg371Gly)

Genes: DNAAF4 (dynein axonemal assembly factor 4; minus strand), DNAAF4-CCPG1 (DNAAF4-CCPG1 readthrough (NMD candidate); minus strand). Cytogenetic location: 15q21.3.
Variant type: single nucleotide variant.
Coding change: c.1111C>G on transcript NM_130810.4 (MANE Select); coding-DNA position 1111, C replaced by G.
Protein change: p.Arg371Gly; replaces arginine 371 with glycine.
Molecular consequence: missense variant. On other transcripts: non-coding transcript variant (1), intron variant (2).
Genome position (GRCh38, 1-based): chr15:55,432,539, G>C on the plus strand (C>G on the coding strand, the complement: DNAAF4 is on the minus strand). VCF-style: chr15-55432539-G-C. GRCh37 (hg19) VCF-style: chr15-55724737-G-C.
Other names: c.1047+2366C>G (NM_001033560.2); c.1048-1760C>G (NM_001033559.3); short protein forms R371G.
Identifiers: ClinVar variation 967529 (VCV000967529.1), dbSNP rs774796257, ClinGen allele CA392547431.